The following is an entry in ClinVar:

ClinVar aggregate classification (germline): Uncertain significance (1 of 4 stars; one submission).

Allele frequency attached by ClinVar (database versions not stated): TOPMed below 0.00001.
gnomAD v4.1: 1 of 1,613,588 alleles (0.000062%); no homozygotes.

Submission:

Labcorp Genetics (formerly Invitae), Labcorp
Classification: Uncertain significance. Last evaluated: 2024-10-08. Review status: criteria provided, single submitter. Criteria: Invitae Variant Classification Sherloc (09022015). Collection method: clinical testing. Allele origin: germline.
Comment: This sequence change replaces proline, which is neutral and non-polar, with alanine, which is neutral and non-polar, at codon 3671 of the USH2A protein (p.Pro3671Ala). This variant is not present in population databases (gnomAD no frequency). This variant has not been reported in the literature in individuals affected with USH2A-related conditions. ClinVar contains an entry for this variant (Variation ID: 1948989). Invitae Evidence Modeling of protein sequence and biophysical properties (such as structural, functional, and spatial information, amino acid conservation, physicochemical variation, residue mobility, and thermodynamic stability) indicates that this missense variant is not expected to disrupt USH2A protein function with a negative predictive value of 95%. In summary, the available evidence is currently insufficient to determine the role of this variant in disease. Therefore, it has been classified as a Variant of Uncertain Significance.

NM_206933.4(USH2A):c.11011C>G (p.Pro3671Ala)

Gene: USH2A (usherin; minus strand). Cytogenetic location: 1q41.
Variant type: single nucleotide variant.
Coding change: c.11011C>G on transcript NM_206933.4 (MANE Select); coding-DNA position 11011, C replaced by G.
Protein change: p.Pro3671Ala; replaces proline 3671 with alanine.
Molecular consequence: missense variant.
Genome position (GRCh38, 1-based): chr1:215,766,717, G>C on the plus strand (C>G on the coding strand, the complement: USH2A is on the minus strand). VCF-style: chr1-215766717-G-C. GRCh37 (hg19) VCF-style: chr1-215940059-G-C.
Other names: short protein forms P3671A.
Identifiers: ClinVar variation 1948989 (VCV001948989.5), dbSNP rs1661138382, ClinGen allele CA344826982.